The following is an entry in ClinVar:

ClinVar aggregate classification (germline): Conflicting classifications of pathogenicity. Review status: criteria provided, conflicting classifications (1 of 4 stars). 3 submissions from 2 submitters: Uncertain significance (1); Benign (2). Last evaluated 2024-03-17.

Conditions:
Hypothyroidism due to TSH receptor mutations. Also called: Hypothyroidism, congenital, nongoitrous, 1; HYPOTHYROIDISM DUE TO UNRESPONSIVENESS TO THYROTROPIN; HYPOTHYROIDISM, CONGENITAL, DUE TO TSH RESISTANCE; HYPOTHYROIDISM, NONAUTOIMMUNE; THYROID-STIMULATING HORMONE, RESISTANCE TO; TSH RESISTANCE. Identifiers: Orphanet 90673, MedGen C3493776, MONDO:0010142, OMIM 275200.
Familial hyperthyroidism due to mutations in TSH receptor. Also called: HYPERTHYROIDISM, CONGENITAL NONAUTOIMMUNE; HYPERTHYROIDISM, NONAUTOIMMUNE, AUTOSOMAL DOMINANT; TOXIC THYROID HYPERPLASIA, AUTOSOMAL DOMINANT. Identifiers: Orphanet 424, MedGen C1836706, MONDO:0012203, OMIM 609152.

Allele frequency attached by ClinVar (database versions not stated): gnomAD 0.00007 and 0.00013; TOPMed 0.00010; 1000 Genomes Project 30x 0.00109; 1000 Genomes Project 0.00120.
gnomAD v4.1: 128 of 1,614,162 alleles (0.0079%); highest among the groups gnomAD compares: East Asian, 0.27%; no homozygotes.

Submissions (3):

Labcorp Genetics (formerly Invitae), Labcorp
Classification: Benign. Last evaluated: 2024-03-17. Review status: criteria provided, single submitter. Criteria: Invitae Variant Classification Sherloc (09022015). Collection method: clinical testing. Allele origin: germline.

Illumina Laboratory Services, Illumina
Classification: Benign for Familial hyperthyroidism due to mutations in TSH receptor. Last evaluated: 2017-04-30. Review status: criteria provided, single submitter. Criteria: ICSL Variant Classification Criteria 13 December 2019. Collection method: clinical testing. Allele origin: germline.
Comment: This variant was observed as part of a predisposition screen in an ostensibly healthy population. A literature search was performed for the gene, cDNA change, and amino acid change (where applicable). No publications were found based on this search. Allele frequency data from public databases was too high to be consistent with this variant causing disease. Therefore, this variant is classified as benign.

Illumina Laboratory Services, Illumina
Classification: Uncertain significance for Hypothyroidism due to TSH receptor mutations. Last evaluated: 2017-04-30. Review status: criteria provided, single submitter. Criteria: ICSL Variant Classification Criteria 13 December 2019. Collection method: clinical testing. Allele origin: germline.
Comment: This variant was observed as part of a predisposition screen in an ostensibly healthy population. A literature search was performed for the gene, cDNA change, and amino acid change (where applicable). Publications were found based on this search. However, the evidence from the literature, in combination with allele frequency data from public databases where available, was not sufficient to rule this variant in or out of causing disease. Therefore, this variant is classified as a variant of unknown significance.

Literature cited by the submitters: PubMed 23535966 (cited by Illumina Laboratory Services, Illumina).

NM_000369.5(TSHR):c.915T>A (p.Ser305Arg)

Genes: TSHR-AS1 (TSHR antisense RNA 1; minus strand), TSHR (thyroid stimulating hormone receptor; plus strand). Cytogenetic location: 14q31.1.
Variant type: single nucleotide variant.
Coding change: c.915T>A on transcript NM_000369.5 (MANE Select); coding-DNA position 915, T replaced by A.
Protein change: p.Ser305Arg; replaces serine 305 with arginine.
Molecular consequence: missense variant.
Genome position (GRCh38, 1-based): chr14:81,142,973, T>A. VCF-style: chr14-81142973-T-A. GRCh37 (hg19) VCF-style: chr14-81609317-T-A.
Other names: short protein forms S305R.
Identifiers: ClinVar variation 887199 (VCV000887199.8), dbSNP rs142122217, ClinGen allele CA7294360.
Genomic context (GRCh38, chr14:81,142,973, plus strand): 5'-CACTGACTCTTTTCTGTTGCCTTGCAGAATCCTTGAGTCCTTGATGTGTAATGAGAGCAG[T>A]ATGCAGAGCTTGCGCCAGAGAAAATCTGTGAATGCCTTGAATAGCCCCCTCCACCAGGAA-3'
Protein context (NP_000360.2, residues 295-315): ILESLMCNES[Ser305Arg]MQSLRQRKSV